The following is an entry in ClinVar:

ClinVar aggregate classification (germline): Uncertain significance (1 of 4 stars; one submission).

Submission:

GeneDx
Classification: Uncertain significance. Last evaluated: 2026-04-12. Review status: criteria provided, single submitter. Criteria: GeneDx Variant Classification Process June 2021. Collection method: clinical testing. Allele origin: germline.
Comment: Has not been previously published as pathogenic or benign to our knowledge; No data available from control populations to assess the frequency of this variant; In silico analysis suggests this variant may impact gene splicing. In the absence of RNA/functional studies, the actual effect of this sequence change is unknown..

NM_006852.6(TLK2):c.1460+3365C>T

Gene: TLK2 (tousled like kinase 2; plus strand). Cytogenetic location: 17q23.2.
Variant type: single nucleotide variant.
Coding change: c.1460+3365C>T on transcript NM_006852.6 (MANE Select); 3365 bases into the intron after coding-DNA position 1460, C replaced by T.
Molecular consequence: intron variant.
Genome position (GRCh38, 1-based): chr17:62,589,591, C>T. VCF-style: chr17-62589591-C-T. GRCh37 (hg19) VCF-style: chr17-60666952-C-T.
Other names: c.1460+3365C>T (NM_001375271.1, NM_001375270.1); c.1364+3365C>T (NM_001438204.1, NM_001375272.1, NM_001438203.1 and 1 more transcripts); c.1013+3365C>T (NM_001375273.1, NM_001330418.3); c.1175+3365C>T (NM_001411074.1); c.1271+3365C>T (NM_001438205.1); c.1526+3365C>T (NM_001284333.3); c.1502+3365C>T (NM_001375269.1).
Identifiers: ClinVar variation 5037014 (VCV005037014.1).
Genomic context (GRCh38, chr17:62,589,591, plus strand): 5'-GAGATGCGGTTTTAGAGCTGGGCACAGGTTCAGCGACACTCTGCAAATTCCCTTAATTGG[C>T]GAGAACTTTGAATGACATTTTGATTCTTAAATTTTTGCTGCCTTTTGTTTCCTGTGTTTT-3'